The following is an entry in ClinVar:

NM_005559.4(LAMA1):c.5168+10_5168+11insCTCAAGTAAGTTTCTTTTTTTTTTTTTTTTTTTTTNNNNNNNNNNGGGAGAGGGAGAGGGAGACGGGAGAGGGAGAGGGAGACGGGAGAGGGAGAGGGAGACGGGAGAGGGAGAGGGAGAGGG

Gene: LAMA1 (laminin subunit alpha 1; minus strand). Cytogenetic location: 18p11.31.
Variant type: Insertion.
Coding change: c.5168+10_5168+11insCTCAAGTAAGTTTCTTTTTTTTTTTTTTTTTTTTTNNNNNNNNNNGGGAGAGGGAGAGGGAGACGGGAGAGGGAGAGGGAGACGGGAGAGGGAGAGGGAGACGGGAGAGGGAGAGGGAGAGGG on transcript NM_005559.4 (MANE Select); bases 10 to 11 of the intron after coding-DNA position 5168, CTCAAGTAAGTTTCTTTTTTTTTTTTTTTTTTTTTNNNNNNNNNNGGGAGAGGGAGAGGGAGACGGGAGAGGGAGAGGGAGACGGGAGAGGGAGAGGGAGACGGGAGAGGGAGAGGGAGAGGG inserted.
Molecular consequence: splice donor variant.
Genome position: GRCh38: chr18:6,992,565-6,992,566. GRCh37 (hg19): chr18:6,992,564-6,992,565.
Identifiers: ClinVar variation 1512105 (VCV001512105.8), dbSNP rs2144074053.

ClinVar aggregate classification (germline): Uncertain significance (1 of 4 stars; one submission).

Submission:

Labcorp Genetics (formerly Invitae), Labcorp
Classification: Uncertain significance. Last evaluated: 2022-07-06. Review status: criteria provided, single submitter. Criteria: Invitae Variant Classification Sherloc (09022015). Collection method: clinical testing. Allele origin: germline.
Comment: This variant has not been reported in the literature in individuals affected with LAMA1-related conditions. In summary, the available evidence is currently insufficient to determine the role of this variant in disease. Therefore, it has been classified as a Variant of Uncertain Significance. Experimental studies and prediction algorithms are not available or were not evaluated, and the effect of this variant on mRNA splicing is currently unknown. ClinVar contains an entry for this variant (Variation ID: 1512105). This variant is not present in population databases (gnomAD no frequency). This sequence change falls in intron 36 of the LAMA1 gene. It does not directly change the encoded amino acid sequence of the LAMA1 protein.